The following is an entry in ClinVar:

NM_022095.4(ZNF335):c.1997C>T (p.Ser666Phe)

Gene: ZNF335 (zinc finger protein 335; minus strand). Cytogenetic location: 20q13.12.
Variant type: single nucleotide variant.
Coding change: c.1997C>T on transcript NM_022095.4 (MANE Select); coding-DNA position 1997, C replaced by T.
Protein change: p.Ser666Phe; replaces serine 666 with phenylalanine.
Molecular consequence: missense variant.
Genome position (GRCh38, 1-based): chr20:45,960,231, G>A on the plus strand (C>T on the coding strand, the complement: ZNF335 is on the minus strand). VCF-style: chr20-45960231-G-A. GRCh37 (hg19) VCF-style: chr20-44588870-G-A.
Other names: short protein forms S666F.
Identifiers: ClinVar variation 4976805 (VCV004976805.1).

ClinVar aggregate classification (germline): Likely pathogenic (1 of 4 stars; one submission).

Conditions:
Microcephalic primordial dwarfism due to ZNF335 deficiency. Also called: Primary autosomal recessive microcephaly 10. Identifiers: Orphanet 329228, MedGen C3554499, MONDO:0014043, OMIM 615095.

gnomAD v4.1: 6 of 1,614,170 alleles (0.00037%); highest among the groups gnomAD compares: South Asian, 0.0055%; no homozygotes.

Submission:

Human Genetics, Hazara University Mansehra
Classification: Likely pathogenic for Microcephalic primordial dwarfism due to ZNF335 deficiency. Last evaluated: 2026-09-20. Review status: criteria provided, single submitter. Criteria: ACMG Guidelines, 2015. Collection method: research. Allele origin: germline. Inheritance: Autosomal recessive inheritance. Affected: yes and no. Observed: 4 variant alleles, 2 heterozygotes, 2 homozygotes. Clinical features observed: Microcephaly (HP:0000252), Global developmental delay (HP:0001263), Seizure (HP:0001250).
Comment: PM2_moderate, PM3_moderate, PP1_supporting, PP3_supporting, and PP4_strong.

Literature cited by the submitters: PubMed 29652087.